The following is an entry in ClinVar:

NM_001370298.3(FGD4):c.1296C>T (p.Phe432=)

Gene: FGD4 (FYVE, RhoGEF and PH domain containing 4; plus strand). Cytogenetic location: 12p11.21.
Variant type: single nucleotide variant.
Coding change: c.1296C>T on transcript NM_001370298.3 (MANE Select); coding-DNA position 1296, C replaced by T.
Protein change: p.Phe432=; no amino-acid change (phenylalanine 432 retained).
Molecular consequence: synonymous variant. On other transcripts: 5 prime UTR variant (1).
Genome position (GRCh38, 1-based): chr12:32,602,209, C>T. VCF-style: chr12-32602209-C-T. GRCh37 (hg19) VCF-style: chr12-32755143-C-T.
Other names: c.1140C>T, p.Phe380= (NM_001304481.2); c.141C>T, p.Phe47= (NM_001304483.2); c.-167C>T (NM_001304484.2); c.606C>T, p.Phe202= (NM_001330373.2, NM_001330374.2, NM_001384130.1); c.333C>T, p.Phe111= (NM_001370297.1); c.1296C>T, p.Phe432= (NM_001384126.1); c.885C>T, p.Phe295= (NM_001384127.1, NM_001384128.1, NM_001385118.1 and 1 more transcripts).
Identifiers: ClinVar variation 476946 (VCV000476946.33), dbSNP rs151083690, ClinGen allele CA6506753.

ClinVar aggregate classification (germline): Benign/Likely benign. Review status: criteria provided, multiple submitters, no conflicts (2 of 4 stars). 8 submissions from 8 submitters: Benign (3); Likely benign (5). Last evaluated 2026-01-14.

Conditions:
Charcot-Marie-Tooth disease type 4. Also called: Charcot-Marie-Tooth disease, type IV; Charcot-Marie-Tooth, Type 4. Identifiers: Orphanet 64749, MedGen C4082197, MONDO:0018995.
Inborn genetic diseases. Identifiers: MedGen C0950123, MeSH D030342.
FGD4-related disorder. Also called: FGD4-related condition.
Charcot-Marie-Tooth disease type 4H (CMT4H). Also called: CHARCOT-MARIE-TOOTH DISEASE, DEMYELINATING, TYPE 4H; CHARCOT-MARIE-TOOTH DISEASE, AUTOSOMAL RECESSIVE, TYPE 4H; CHARCOT-MARIE-TOOTH DISEASE, DEMYELINATING, AUTOSOMAL RECESSIVE, TYPE 4H; CHARCOT-MARIE-TOOTH NEUROPATHY, TYPE 4H. Identifiers: Orphanet 99954, MedGen C1836336, MONDO:0012250, OMIM 609311.

Allele frequency attached by ClinVar (database versions not stated): gnomAD exomes 0.00018 and 0.00052; ExAC 0.00060; gnomAD 0.00214 and 0.00230; TOPMed 0.00242; ESP Exome Variant Server 0.00254; 1000 Genomes Project 0.00319; 1000 Genomes Project 30x 0.00359.
gnomAD v4.1: 610 of 1,614,020 alleles (0.038%); highest among the groups gnomAD compares: African/African-American, 0.73%; 3 homozygotes.

Submissions (8):

Labcorp Genetics (formerly Invitae), Labcorp
Classification: Benign for Charcot-Marie-Tooth disease type 4. Last evaluated: 2026-01-14. Review status: criteria provided, single submitter. Criteria: Invitae Variant Classification Sherloc (09022015). Collection method: clinical testing. Allele origin: germline.

PreventionGenetics, part of Exact Sciences
Classification: Likely benign for FGD4-related condition. Last evaluated: 2025-08-30. Review status: criteria provided, single submitter. Criteria: ACMG Guidelines, 2015. Collection method: clinical testing. Allele origin: germline.
Comment: This variant is classified as likely benign based on ACMG/AMP sequence variant interpretation guidelines (Richards et al. 2015 PMID: 25741868, with internal and published modifications).

CeGaT Center for Human Genetics Tuebingen
Classification: Likely benign. Last evaluated: 2025-07-01. Review status: criteria provided, single submitter. Criteria: CeGaT Center For Human Genetics Tuebingen Variant Classification Criteria Version 2. Collection method: clinical testing. Allele origin: germline. Affected: yes. Observed: 1 variant allele.
Comment: FGD4: BP4, BP7

Athena Diagnostics
Classification: Benign. Last evaluated: 2025-06-30. Review status: criteria provided, single submitter. Criteria: Athena Diagnostics Criteria. Collection method: clinical testing. Allele origin: unknown.
Comment: The frequency of this variant in the general population is higher than would generally be expected for pathogenic variants in this gene.

GeneDx
Classification: Likely benign. Last evaluated: 2019-10-21. Review status: criteria provided, single submitter. Criteria: GeneDx Variant Classification Process June 2021. Collection method: clinical testing. Allele origin: germline. Affected: yes.

Ambry Genetics
Classification: Likely benign for Inborn genetic diseases. Last evaluated: 2019-07-11. Review status: criteria provided, single submitter. Criteria: Ambry Variant Classification Scheme 2023. Collection method: clinical testing. Allele origin: germline.

Illumina Laboratory Services, Illumina
Classification: Likely benign for Charcot-Marie-Tooth disease type 4H. Last evaluated: 2018-01-12. Review status: criteria provided, single submitter. Criteria: ICSL Variant Classification Criteria 13 December 2019. Collection method: clinical testing. Allele origin: germline.
Comment: This variant was observed in the ICSL laboratory as part of a predisposition screen in an ostensibly healthy population. It had not been previously curated by ICSL or reported in the Human Gene Mutation Database (HGMD: prior to June 1st, 2018), and was therefore a candidate for classification through an automated scoring system. Utilizing variant allele frequency, disease prevalence and penetrance estimates, and inheritance mode, an automated score was calculated to assess if this variant is too frequent to cause the disease. Based on the score and internal cut-off values, a variant classified as likely benign is not then subjected to further curation. The score for this variant resulted in a classification of likely benign for this disease.

Eurofins Ntd Llc (ga)
Classification: Benign. Last evaluated: 2017-05-01. Review status: criteria provided, single submitter. Criteria: EGL Classification Definitions 2015. Collection method: clinical testing. Allele origin: germline. Observed: 1 variant allele, 1 heterozygote.